The following is an entry in ClinVar:

ClinVar aggregate classification (germline): Conflicting classifications of pathogenicity. Review status: criteria provided, conflicting classifications (1 of 4 stars). 3 submissions from 3 submitters: Uncertain significance (2); Likely benign (1). Last evaluated 2024-03-08.

Conditions:
Renal dysplasia, cystic, susceptibility to. Identifiers: MedGen C3275898, MONDO:0011037, OMIM 601331.

Allele frequency attached by ClinVar (database versions not stated): gnomAD 0.00013; ESP Exome Variant Server 0.00031.
gnomAD v4.1: 256 of 1,613,562 alleles (0.016%); highest among the groups gnomAD compares: Non-Finnish European, 0.02%; 1 homozygote.

Submissions (3):

Fulgent Genetics
Classification: Likely benign for Renal dysplasia, cystic, susceptibility to. Last evaluated: 2024-03-08. Review status: criteria provided, single submitter. Criteria: ACMG Guidelines, 2015. Collection method: clinical testing. Allele origin: germline.

Labcorp Genetics (formerly Invitae), Labcorp
Classification: Uncertain significance. Last evaluated: 2021-08-03. Review status: criteria provided, single submitter. Criteria: Invitae Variant Classification Sherloc (09022015). Collection method: clinical testing. Allele origin: germline.
Comment: In summary, the available evidence is currently insufficient to determine the role of this variant in disease. Therefore, it has been classified as a Variant of Uncertain Significance. Algorithms developed to predict the effect of missense changes on protein structure and function are either unavailable or do not agree on the potential impact of this missense change (SIFT: "Deleterious"; PolyPhen-2: "Benign"; Align-GVGD: "Class C0"). This variant has not been reported in the literature in individuals affected with BICC1-related conditions. This variant is present in population databases (rs145960427, ExAC 0.03%). This sequence change replaces serine with leucine at codon 943 of the BICC1 protein (p.Ser943Leu). The serine residue is weakly conserved and there is a large physicochemical difference between serine and leucine.

Ambry Genetics
Classification: Uncertain significance. Last evaluated: 2021-06-21. Review status: criteria provided, single submitter. Criteria: Ambry Variant Classification Scheme 2023. Collection method: clinical testing. Allele origin: germline.

NM_001080512.3(BICC1):c.2828C>T (p.Ser943Leu)

Gene: BICC1 (BicC family RNA binding protein 1; plus strand). Cytogenetic location: 10q21.1.
Variant type: single nucleotide variant.
Coding change: c.2828C>T on transcript NM_001080512.3 (MANE Select); coding-DNA position 2828, C replaced by T.
Protein change: p.Ser943Leu; replaces serine 943 with leucine.
Molecular consequence: missense variant.
Genome position (GRCh38, 1-based): chr10:58,828,794, C>T. VCF-style: chr10-58828794-C-T. GRCh37 (hg19) VCF-style: chr10-60588554-C-T.
Other names: c.2828C>T (NM_001080512.1); short protein forms S943L.
Identifiers: ClinVar variation 1357855 (VCV001357855.9), dbSNP rs145960427, ClinGen allele CA5508926.